The following is an entry in ClinVar:

ClinVar aggregate classification (germline): Uncertain significance (1 of 4 stars; one submission).

Conditions:
Hereditary breast ovarian cancer syndrome. Also called: Hereditary breast and ovarian cancer syndrome; Hereditary breast and ovarian cancer syndrome (HBOC); BRCA1- and BRCA2-Associated Hereditary Breast and Ovarian Cancer; Hereditary breast and ovarian cancer; Breast and ovarian cancer; Hereditary breast and/or ovarian cancer syndrome. Identifiers: Orphanet 145, MedGen C0677776, MeSH D061325, MONDO:0003582. Disease mechanism: loss of function.

Submission:

Labcorp Genetics (formerly Invitae), Labcorp
Classification: Uncertain significance for Hereditary breast ovarian cancer syndrome. Last evaluated: 2024-03-03. Review status: criteria provided, single submitter. Criteria: Invitae Variant Classification Sherloc (09022015). Collection method: clinical testing. Allele origin: germline.
Comment: This sequence change replaces threonine, which is neutral and polar, with isoleucine, which is neutral and non-polar, at codon 152 of the BRCA2 protein (p.Thr152Ile). This variant is not present in population databases (gnomAD no frequency). This variant has not been reported in the literature in individuals affected with BRCA2-related conditions. Advanced modeling of protein sequence and biophysical properties (such as structural, functional, and spatial information, amino acid conservation, physicochemical variation, residue mobility, and thermodynamic stability) performed at Invitae indicates that this missense variant is not expected to disrupt BRCA2 protein function with a negative predictive value of 95%. In summary, the available evidence is currently insufficient to determine the role of this variant in disease. Therefore, it has been classified as a Variant of Uncertain Significance.

NM_000059.4(BRCA2):c.455C>T (p.Thr152Ile)

Gene: BRCA2 (BRCA2 DNA repair associated; plus strand). Cytogenetic location: 13q13.1.
Variant type: single nucleotide variant.
Coding change: c.455C>T on transcript NM_000059.4 (MANE Select); coding-DNA position 455, C replaced by T.
Protein change: p.Thr152Ile; replaces threonine 152 with isoleucine.
Molecular consequence: missense variant. On other transcripts: non-coding transcript variant (1).
Genome position (GRCh38, 1-based): chr13:32,326,130, C>T. VCF-style: chr13-32326130-C-T. GRCh37 (hg19) VCF-style: chr13-32900267-C-T.
Other names: c.455C>T, p.Thr152Ile (NM_001406719.1, NM_001406720.1, NM_001406721.1 and 1 more transcripts); c.86C>T, p.Thr29Ile (NM_001406722.1); short protein forms T29I, T152I.
Identifiers: ClinVar variation 3636411 (VCV003636411.2).
Genomic context (GRCh38, chr13:32,326,130, plus strand): 5'-AACCTAAGGGATTTGCTTTGTTTTATTTTAGTCCTGTTGTTCTACAATGTACACATGTAA[C>T]ACCACAAAGAGATAAGTCAGGTATGATTAAAAACAATGCTTTTTATTCTTAGAATACTAG-3'
Protein context (NP_000050.3, residues 142-162): SPVVLQCTHV[Thr152Ile]PQRDKSVVCG